The following is an entry in ClinVar:

NM_014874.4(MFN2):c.653T>C (p.Leu218Pro)

Gene: MFN2 (mitofusin 2; plus strand). Cytogenetic location: 1p36.22.
Variant type: single nucleotide variant.
Coding change: c.653T>C on transcript NM_014874.4 (MANE Select); coding-DNA position 653, T replaced by C.
Protein change: p.Leu218Pro; replaces leucine 218 with proline.
Molecular consequence: missense variant.
Genome position (GRCh38, 1-based): chr1:11,998,823, T>C. VCF-style: chr1-11998823-T-C. GRCh37 (hg19) VCF-style: chr1-12058880-T-C.
Other names: c.653T>C, p.Leu218Pro (NM_001127660.2); short protein forms L218P.
Identifiers: ClinVar variation 245744 (VCV000245744.13), dbSNP rs879253925, ClinGen allele CA10584097.

ClinVar aggregate classification (germline): Conflicting classifications of pathogenicity. Review status: criteria provided, conflicting classifications (1 of 4 stars). 4 submissions from 4 submitters: Pathogenic (1); Likely pathogenic (1); Uncertain significance (1). 1 of the submissions does not count toward it. Last evaluated 2024-11-04.

Conditions:
Charcot-Marie-Tooth disease. Also called: Charcot-Marie-Tooth Neuropathy; Charcot-Marie-Tooth Hereditary Neuropathy. Identifiers: Orphanet 166, MedGen C0007959, MONDO:0015626.
Charcot-Marie-Tooth disease type 2. Also called: Charcot-Marie-Tooth type 2. Identifiers: Orphanet 64746, MedGen C0270914, MONDO:0018993.
Charcot-Marie-Tooth disease type 2A2. Also called: CHARCOT-MARIE-TOOTH DISEASE, AXONAL, AUTOSOMAL DOMINANT, TYPE 2A2A; CHARCOT-MARIE-TOOTH DISEASE, AXONAL, TYPE 2A2; CHARCOT-MARIE-TOOTH DISEASE, NEURONAL, TYPE 2A2; Charcot-Marie-Tooth Neuropathy Type 2A2; HEREDITARY MOTOR AND SENSORY NEUROPATHY IIA2; HMSN IIA2. Identifiers: Orphanet 99947, MedGen C4721887, MONDO:0012231, OMIM 609260.

Submissions (4):

GeneDx
Classification: Uncertain significance. Last evaluated: 2024-11-04. Review status: criteria provided, single submitter. Criteria: GeneDx Variant Classification Process June 2021. Collection method: clinical testing. Allele origin: germline. Affected: yes.
Comment: Reported previously as a likely pathogenic variant in a mother and son with a family history of polyneuropathy and as a pathogenic variant in a cohort of patients with Charcot-Marie-Tooth disease; however, no specific phenotypic or segregation information was provided (PMID: 24053775, 31211173, 24444136); Not observed at significant frequency in large population cohorts (gnomAD); In silico analysis supports that this missense variant has a deleterious effect on protein structure/function; This variant is associated with the following publications: (PMID: 26143526, 31211173, 24444136, 31664033, 24053775, 24863639)

Labcorp Genetics (formerly Invitae), Labcorp
Classification: Pathogenic for Charcot-Marie-Tooth disease type 2. Last evaluated: 2022-11-29. Review status: criteria provided, single submitter. Criteria: Invitae Variant Classification Sherloc (09022015). Collection method: clinical testing. Allele origin: germline.
Comment: Advanced modeling of protein sequence and biophysical properties (such as structural, functional, and spatial information, amino acid conservation, physicochemical variation, residue mobility, and thermodynamic stability) performed at Invitae indicates that this missense variant is expected to disrupt MFN2 protein function. For these reasons, this variant has been classified as Pathogenic. ClinVar contains an entry for this variant (Variation ID: 245744). This missense change has been observed in individuals with autosomal dominant Charcot-Marie-Tooth disease (PMID: 24444136, 31211173; Invitae). This variant is not present in population databases (gnomAD no frequency). This sequence change replaces leucine, which is neutral and non-polar, with proline, which is neutral and non-polar, at codon 218 of the MFN2 protein (p.Leu218Pro).

Molecular Diagnostics Laboratory, M Health Fairview: University of Minnesota
Classification: Likely pathogenic for Charcot-Marie-Tooth disease type 2A2. Last evaluated: 2018-06-04. Review status: criteria provided, single submitter. Criteria: ACMG Guidelines, 2015. Collection method: clinical testing. Allele origin: germline. Affected: yes. Observed: 1 variant allele.

Inherited Neuropathy Consortium
Classification: Uncertain significance for Charcot-Marie-Tooth disease. Review status: flagged submission. Collection method: literature only. Allele origin: germline. Affected: yes. Not counted in ClinVar's aggregate classification.
ClinVar note: Reason: Claim with insufficient supporting evidence

Literature cited by the submitters: PubMed 24444136 (cited by Labcorp Genetics (formerly Invitae), Labcorp); PubMed 31211173 (cited by Labcorp Genetics (formerly Invitae), Labcorp); PubMed 24053775 (cited by Molecular Diagnostics Laboratory, M Health Fairview: University of Minnesota and Inherited Neuropathy Consortium).